The following is an entry in ClinVar:

ClinVar aggregate classification (germline): Pathogenic. Review status: criteria provided, multiple submitters, no conflicts (2 of 4 stars). 2 submissions from 2 submitters: Pathogenic (2). Last evaluated 2026-10-06.

Conditions:
Neurofibromatosis, type 1 (NF1). Also called: VON RECKLINGHAUSEN DISEASE; Peripheral type neurofibromatosis; Neurofibromatosis, type I; NEUROFIBROMATOSIS, TYPE I, SOMATIC. Identifiers: Orphanet 636, MedGen C0027831, MONDO:0018975, OMIM 162200. Disease mechanism: loss of function.

Allele frequency attached by ClinVar (database versions not stated): gnomAD exomes below 0.00001; ExAC 0.00001.

Submissions (2):

NHS Central & South Genomic Laboratory Hub
Classification: Pathogenic for Neurofibromatosis type 1. Last evaluated: 2026-10-06. Review status: criteria provided, single submitter. Criteria: ACMG Guidelines, 2015. Collection method: clinical testing. Allele origin: germline. Affected: yes.

Labcorp Genetics (formerly Invitae), Labcorp
Classification: Pathogenic for Neurofibromatosis, type 1. Last evaluated: 2024-07-01. Review status: criteria provided, single submitter. Criteria: Invitae Variant Classification Sherloc (09022015). Collection method: clinical testing. Allele origin: germline.
Comment: This sequence change affects a donor splice site in intron 25 of the NF1 gene. It is expected to disrupt RNA splicing. Variants that disrupt the donor or acceptor splice site typically lead to a loss of protein function (PMID: 16199547), and loss-of-function variants in NF1 are known to be pathogenic (PMID: 10712197, 23913538). This variant is present in population databases (rs767805288, gnomAD 0.0009%). Disruption of this splice site has been observed in individual(s) with neurofibromatosis type 1 (PMID: 23913538, 31443423). ClinVar contains an entry for this variant (Variation ID: 573917). Algorithms developed to predict the effect of sequence changes on RNA splicing suggest that this variant may disrupt the consensus splice site. For these reasons, this variant has been classified as Pathogenic.

Literature cited by the submitters: PubMed 16199547 (cited by Labcorp Genetics (formerly Invitae), Labcorp); PubMed 10712197 (cited by Labcorp Genetics (formerly Invitae), Labcorp); PubMed 23913538 (cited by Labcorp Genetics (formerly Invitae), Labcorp); PubMed 31443423 (cited by Labcorp Genetics (formerly Invitae), Labcorp).

NM_001042492.3(NF1):c.3314+1G>A

Gene: NF1 (neurofibromin 1; plus strand). Cytogenetic location: 17q11.2.
Variant type: single nucleotide variant.
Coding change: c.3314+1G>A on transcript NM_001042492.3 (MANE Select); the canonical splice donor site of the intron after coding-DNA position 3314, G replaced by A.
Molecular consequence: splice donor variant.
Genome position (GRCh38, 1-based): chr17:31,232,190, G>A. VCF-style: chr17-31232190-G-A. GRCh37 (hg19) VCF-style: chr17-29559208-G-A.
Other names: c.3314+1G>A (NM_000267.4).
Identifiers: ClinVar variation 573917 (VCV000573917.8), dbSNP rs767805288, ClinGen allele CA8486132.